The following is an entry in ClinVar:

ClinVar aggregate classification (germline): Uncertain significance (1 of 4 stars; one submission).

gnomAD v4.1: 2 of 1,611,036 alleles (0.00012%); highest among the groups gnomAD compares: Non-Finnish European, 0.00017%; no homozygotes.

Submission:

Labcorp Genetics (formerly Invitae), Labcorp
Classification: Uncertain significance. Last evaluated: 2024-05-22. Review status: criteria provided, single submitter. Criteria: Invitae Variant Classification Sherloc (09022015). Collection method: clinical testing. Allele origin: germline.
Comment: This sequence change falls in intron 11 of the PRPF6 gene. It does not directly change the encoded amino acid sequence of the PRPF6 protein. It affects a nucleotide within the consensus splice site. This variant is not present in population databases (gnomAD no frequency). This variant has not been reported in the literature in individuals affected with PRPF6-related conditions. Variants that disrupt the consensus splice site are a relatively common cause of aberrant splicing (PMID: 17576681, 9536098). Algorithms developed to predict the effect of sequence changes on RNA splicing suggest that this variant is not likely to affect RNA splicing. In summary, the available evidence is currently insufficient to determine the role of this variant in disease. Therefore, it has been classified as a Variant of Uncertain Significance.

Literature cited by the submitters: PubMed 17576681; PubMed 9536098.

NM_012469.4(PRPF6):c.1524+4G>A

Genes: PRPF6 (pre-mRNA processing factor 6; plus strand), LOC126863089 (BRD4-independent group 4 enhancer GRCh37_chr20:62642795-62643994; plus strand). Cytogenetic location: 20q13.33.
Variant type: single nucleotide variant.
Coding change: c.1524+4G>A on transcript NM_012469.4 (MANE Select); 4 bases into the intron after coding-DNA position 1524, G replaced by A.
Molecular consequence: intron variant.
Genome position (GRCh38, 1-based): chr20:64,011,507, G>A. VCF-style: chr20-64011507-G-A. GRCh37 (hg19) VCF-style: chr20-62642860-G-A.
Identifiers: ClinVar variation 3654207 (VCV003654207.2).